The following is an entry in ClinVar:

NM_000093.5(COL5A1):c.1505del (p.Gly502fs)

Gene: COL5A1 (collagen type V alpha 1 chain; plus strand). Cytogenetic location: 9q34.3.
Variant type: Deletion.
Coding change: c.1505del on transcript NM_000093.5 (MANE Select); coding-DNA position 1505, one base deleted (G; older notation c.1505delG).
Protein change: p.Gly502fs; shifts the reading frame from glycine 502.
Molecular consequence: frameshift variant.
Genome position (GRCh38, 1-based): chr9:134,750,552, G deleted; the last of 2 consecutive G bases (chr9:134,750,551-134,750,552); deleting either gives the same sequence. VCF-style (leftmost placement, unchanged base first): chr9-134750550-TG-T. GRCh37 (hg19) VCF-style: chr9-137642396-TG-T.
Other names: p.Gly502Aspfs*56; c.1505del, p.Gly502fs (NM_001278074.1); short protein forms G502fs.
Identifiers: ClinVar variation 4541515 (VCV004541515.1).

ClinVar aggregate classification (germline): Likely pathogenic (1 of 4 stars; one submission).

Submission:

Mayo Clinic Laboratories, Mayo Clinic
Classification: Likely pathogenic. Last evaluated: 2025-10-20. Review status: criteria provided, single submitter. Criteria: ACMG Guidelines, 2015. Collection method: clinical testing. Allele origin: germline. Observed: 1 variant allele.
Comment: PM2_supporting, PVS1